The following is an entry in ClinVar:

ClinVar aggregate classification (germline): Conflicting classifications of pathogenicity. Review status: criteria provided, conflicting classifications (1 of 4 stars). 8 submissions from 8 submitters: Uncertain significance (7); Likely benign (1). Last evaluated 2026-04-02.

Conditions:
BARD1-related disorder. Also called: BARD1-related condition.
Hereditary cancer-predisposing syndrome. Also called: Neoplastic Syndromes, Hereditary; Tumor predisposition; Hereditary Cancer Syndrome; Hereditary neoplastic syndrome. Identifiers: Orphanet 140162, MedGen C0027672, MeSH D009386, MONDO:0015356.
Familial cancer of breast. Also called: hereditary breast carcinoma; BREAST CANCER, FAMILIAL; Hereditary breast cancer. Identifiers: Orphanet 227535, MedGen C0346153, MONDO:0016419, OMIM 114480. Disease mechanism: loss of function.

Allele frequency attached by ClinVar (database versions not stated): gnomAD exomes below 0.00001 and 0.00001; ExAC 0.00001.
gnomAD v4.1: 3 of 1,613,940 alleles (0.00019%); highest among the groups gnomAD compares: Non-Finnish European, 0.00025%; no homozygotes.

Submissions (8):

PreventionGenetics, part of Exact Sciences
Classification: Uncertain significance for BARD1-related condition. Last evaluated: 2026-04-02. Review status: criteria provided, single submitter. Criteria: ACMG Guidelines, 2015. Collection method: clinical testing. Allele origin: germline.
Comment: The BARD1 c.1714C>T variant is predicted to result in the amino acid substitution p.Leu572Phe. This variant has been reported in an individual with colorectal cancer (Yurgelun et al. 2017. PubMed ID: 28135145, Table A4). It is reported in 0.00088% of alleles in individuals of European (Non-Finnish) descent in gnomAD and has conflicting interpretations in ClinVar ranging from likely benign to uncertain (Variation ID: 233371). At this time, the clinical significance of this variant is uncertain due to the absence of conclusive functional and genetic evidence.

Labcorp Genetics (formerly Invitae), Labcorp
Classification: Uncertain significance for Familial cancer of breast. Last evaluated: 2025-10-19. Review status: criteria provided, single submitter. Criteria: Invitae Variant Classification Sherloc (09022015). Collection method: clinical testing. Allele origin: germline.
Comment: This sequence change replaces leucine, which is neutral and non-polar, with phenylalanine, which is neutral and non-polar, at codon 572 of the BARD1 protein (p.Leu572Phe). This variant is present in population databases (rs772222117, gnomAD 0.0009%). This missense change has been observed in individual(s) with colorectal cancer (PMID: 28135145). ClinVar contains an entry for this variant (Variation ID: 233371). An algorithm developed to predict the effect of missense changes on protein structure and function (PolyPhen-2) suggests that this variant is likely to be tolerated. In summary, the available evidence is currently insufficient to determine the role of this variant in disease. Therefore, it has been classified as a Variant of Uncertain Significance.

Ambry Genetics
Classification: Likely benign for Hereditary cancer-predisposing syndrome. Last evaluated: 2024-06-24. Review status: criteria provided, single submitter. Criteria: Ambry Variant Classification Scheme 2023. Collection method: clinical testing. Allele origin: germline.

Fulgent Genetics
Classification: Uncertain significance for Familial cancer of breast. Last evaluated: 2024-02-20. Review status: criteria provided, single submitter. Criteria: ACMG Guidelines, 2015. Collection method: clinical testing. Allele origin: germline.

Baylor Genetics
Classification: Uncertain significance for Familial cancer of breast. Last evaluated: 2023-06-30. Review status: criteria provided, single submitter. Criteria: ACMG Guidelines, 2015. Collection method: clinical testing. Allele origin: unknown.

Quest Diagnostics Nichols Institute San Juan Capistrano
Classification: Uncertain significance. Last evaluated: 2020-05-23. Review status: criteria provided, single submitter. Criteria: Quest Diagnostics criteria. Collection method: clinical testing. Allele origin: unknown.

Color Diagnostics, LLC DBA Color Health
Classification: Uncertain significance for Hereditary cancer-predisposing syndrome. Last evaluated: 2019-04-03. Review status: criteria provided, single submitter. Criteria: ACMG Guidelines, 2015. Collection method: clinical testing. Allele origin: germline.

GeneDx
Classification: Uncertain significance. Last evaluated: 2017-05-05. Review status: criteria provided, single submitter. Criteria: GeneDx Variant Classification (06012015). Collection method: clinical testing. Allele origin: germline. Affected: yes.
Comment: This variant is denoted BARD1 c.1714C>T at the cDNA level, p.Leu572Phe (L572F) at the protein level, and results in the change of a Leucine to a Phenylalanine (CTT>TTT). This variant has been reported in an individual with colorectal cancer (Yurgelun 2017). BARD1 Leu572Phe was not observed at a significant allele frequency in large population cohorts (NHLBI Exome Sequencing Project, The 1000 Genomes Consortium 2015, Lek 2016). Since Leucine and Phenylalanine share similar properties, this is considered a conservative amino acid substitution. BARD1 Leu572Phe occurs at a position where amino acids with properties similar to Leucine are tolerated across species and is located in the BRCT1 domain (Fox 2008, UniProt). In silico analyses are inconsistent regarding the effect this variant may have on protein structure and function. Based on currently available evidence, it is unclear whether BARD1 Leu572Phe is a pathogenic or benign variant. We consider it to be a variant of uncertain significance.

Literature cited by the submitters: PubMed 28135145 (cited by 3 submitters).

NM_000465.4(BARD1):c.1714C>T (p.Leu572Phe)

Gene: BARD1 (BRCA1 associated RING domain 1; minus strand). Cytogenetic location: 2q35.
Variant type: single nucleotide variant.
Coding change: c.1714C>T on transcript NM_000465.4 (MANE Select); coding-DNA position 1714, C replaced by T.
Protein change: p.Leu572Phe; replaces leucine 572 with phenylalanine.
Molecular consequence: missense variant. On other transcripts: non-coding transcript variant (3), intron variant (1).
Genome position (GRCh38, 1-based): chr2:214,745,818, G>A on the plus strand (C>T on the coding strand, the complement: BARD1 is on the minus strand). VCF-style: chr2-214745818-G-A. GRCh37 (hg19) VCF-style: chr2-215610542-G-A.
Other names: c.1657C>T, p.Leu553Phe (NM_001282543.2); c.361C>T, p.Leu121Phe (NM_001282545.2); c.304C>T, p.Leu102Phe (NM_001282548.2); c.365-15310C>T (NM_001282549.2); short protein forms L572F, L102F, L553F, L121F.
Identifiers: ClinVar variation 233371 (VCV000233371.24), dbSNP rs772222117, ClinGen allele CA2090182.